The following is an entry in ClinVar:

NM_000444.6(PHEX):c.2028_2032del (p.Thr677fs)

Genes: PHEX (phosphate regulating endopeptidase X-linked; plus strand), PTCHD1-AS (PTCHD1 and PHEX antisense RNA; minus strand). Cytogenetic location: Xp22.11.
Variant type: Deletion.
Coding change: c.2028_2032del on transcript NM_000444.6 (MANE Select); coding-DNA positions 2028 to 2032, 5 bases deleted (CACAT; older notation c.2028_2032delCACAT).
Protein change: p.Thr677fs; shifts the reading frame from threonine 677.
Molecular consequence: frameshift variant. On other transcripts: non-coding transcript variant (1).
Genome position (GRCh38, 1-based): chrX:22,227,569-22,227,573, CACAT deleted; deleting any 5 consecutive bases within chrX:22,227,566-22,227,573 gives the same sequence; the c. name uses the placement nearest the transcript's 3' end. VCF-style (leftmost placement, unchanged base first): chrX-22227565-GCATCA-G. GRCh37 (hg19) VCF-style: chrX-22245682-GCATCA-G.
Other names: c.2025_2029delCATCA (NM_000444.6); c.2028_2032del, p.Thr677fs (NM_001282754.2); short protein forms T677fs.
Identifiers: ClinVar variation 2446435 (VCV002446435.2), dbSNP rs1057518246, ClinGen allele CA2580100537.
Genomic context (GRCh38, chrX:22,227,565, plus strand): 5'-AGGCTTACAGGAAATGGATAAATGACAGAAGGCAGGGACTTGAGGAGCCTCTTCTACCAG[GCATCA>G]CATTCACCAACAACCAGCTCTTCTTCCTGAGTTATGCTCATGTGAGTAGACTGAGGAAGG-3'

ClinVar aggregate classification (germline): Likely pathogenic (1 of 4 stars; one submission).

Conditions:
Familial X-linked hypophosphatemic vitamin D refractory rickets (XLHRD). Also called: X-Linked Hypophosphatemia; Hypophosphatemia, vitamin D-resistant rickets; Vitamin D-resistant rickets, X-linked; HYPOPHOSPHATEMIC VITAMIN D-RESISTANT RICKETS; Hypophosphatemic Rickets, X-Linked Dominant. Identifiers: Orphanet 89936, MedGen C0733682, MONDO:0010619, OMIM 307800.

Submission:

Lifecell International Pvt. Ltd
Classification: Likely pathogenic for Familial X-linked hypophosphatemic vitamin D refractory rickets. Review status: criteria provided, single submitter. Criteria: ACMG Guidelines, 2015. Collection method: clinical testing. Allele origin: germline. Inheritance: X-linked dominant inheritance. Affected: yes. Observed: 1 heterozygote.
Comment: A Heterozygous Frameshift variant c.2025_2029delCATCA in Exon 20 of the PHEX gene that results in the amino acid substitution p.Thr677fs*38 was identified. The observed variant is novel in gnomAD exomes and genomes. The severity of the impact of this variant on the protein is high, based on the effect of the protein and REVEL score. Rare Exome Variant Ensemble Learner (REVEL) is an ensembl method for predicting the pathogenicity of missense variants based on a combination of scores from 13 individual tools: MutPred, FATHMM v2.3, VEST 3.0, PolyPhen-2, SIFT, PROVEAN, MutationAssessor, MutationTaster, LRT, GERP++, SiPhy, phyloP, and phastCons. The REVEL score for an individual missense variant can range from 0 to 1, with higher scores reflecting greater likelihood that the variant is disease-causing. For these reasons, this variant has been classified as Likely Pathogenic.